The following is an entry in ClinVar:

NM_004655.4(AXIN2):c.1733T>C (p.Leu578Ser)

Gene: AXIN2 (axin 2; minus strand). Cytogenetic location: 17q24.1.
Variant type: single nucleotide variant.
Coding change: c.1733T>C on transcript NM_004655.4 (MANE Select); coding-DNA position 1733, T replaced by C.
Protein change: p.Leu578Ser; replaces leucine 578 with serine.
Molecular consequence: missense variant. On other transcripts: intron variant (1).
Genome position (GRCh38, 1-based): chr17:65,537,043, A>G on the plus strand (T>C on the coding strand, the complement: AXIN2 is on the minus strand). VCF-style: chr17-65537043-A-G. GRCh37 (hg19) VCF-style: chr17-63533161-A-G.
Other names: c.1712+281T>C (NM_001363813.1); short protein forms L578S.
Identifiers: ClinVar variation 1461531 (VCV001461531.8), dbSNP rs2144451904, ClinGen allele CA400676724.

ClinVar aggregate classification (germline): Uncertain significance (1 of 4 stars; one submission).

Conditions:
Oligodontia-cancer predisposition syndrome. Also called: TOOTH AGENESIS-COLORECTAL CANCER SYNDROME. Identifiers: Orphanet 300576, MedGen C1837750, MONDO:0012075, OMIM 608615. Disease mechanism: loss of function.

Submission:

Labcorp Genetics (formerly Invitae), Labcorp
Classification: Uncertain significance for Oligodontia-cancer predisposition syndrome. Last evaluated: 2020-11-24. Review status: criteria provided, single submitter. Criteria: Invitae Variant Classification Sherloc (09022015). Collection method: clinical testing. Allele origin: germline.
Comment: In summary, the available evidence is currently insufficient to determine the role of this variant in disease. Therefore, it has been classified as a Variant of Uncertain Significance. Algorithms developed to predict the effect of missense changes on protein structure and function are either unavailable or do not agree on the potential impact of this missense change (SIFT: "Tolerated"; PolyPhen-2: "Possibly Damaging"; Align-GVGD: "Class C0"). This variant has not been reported in the literature in individuals with AXIN2-related conditions. This variant is not present in population databases (ExAC no frequency). This sequence change replaces leucine with serine at codon 578 of the AXIN2 protein (p.Leu578Ser). The leucine residue is moderately conserved and there is a large physicochemical difference between leucine and serine.